The following is an entry in ClinVar:

NM_001386298.1(CIC):c.7521C>T (p.Pro2507=)

Gene: CIC (capicua transcriptional repressor; plus strand). Cytogenetic location: 19q13.2.
Variant type: single nucleotide variant.
Coding change: c.7521C>T on transcript NM_001386298.1 (MANE Select); coding-DNA position 7521, C replaced by T.
Protein change: p.Pro2507=; no amino-acid change (proline 2507 retained).
Molecular consequence: synonymous variant.
Genome position (GRCh38, 1-based): chr19:42,295,158, C>T. VCF-style: chr19-42295158-C-T. GRCh37 (hg19) VCF-style: chr19-42799310-C-T.
Other names: c.7521C>T, p.Pro2507= (NM_001304815.2); c.7518C>T, p.Pro2506= (NM_001379480.1, NM_001379482.1, NM_001379483.1); c.4788C>T, p.Pro1596= (NM_001379484.1); c.4785C>T, p.Pro1595= (NM_001379485.1); c.4794C>T, p.Pro1598= (NM_015125.5).
Identifiers: ClinVar variation 2498782 (VCV002498782.28), dbSNP rs2514118116, ClinGen allele CA507610323.

ClinVar aggregate classification (germline): Likely benign (1 of 4 stars; one submission).

Submission:

CeGaT Center for Human Genetics Tuebingen
Classification: Likely benign. Last evaluated: 2023-02-01. Review status: criteria provided, single submitter. Criteria: CeGaT Center For Human Genetics Tuebingen Variant Classification Criteria Version 2. Collection method: clinical testing. Allele origin: germline. Affected: yes. Observed: 1 variant allele.
Comment: CIC: PM2:Supporting, BP4, BP7